The following is an entry in ClinVar:

NM_001384732.1(CPLANE1):c.5134A>G (p.Ile1712Val)

Gene: CPLANE1 (ciliogenesis and planar polarity effector complex subunit 1; minus strand). Cytogenetic location: 5p13.2.
Variant type: single nucleotide variant.
Coding change: c.5134A>G on transcript NM_001384732.1 (MANE Select); coding-DNA position 5134, A replaced by G.
Protein change: p.Ile1712Val; replaces isoleucine 1712 with valine.
Molecular consequence: missense variant.
Genome position (GRCh38, 1-based): chr5:37,183,047, T>C on the plus strand (A>G on the coding strand, the complement: CPLANE1 is on the minus strand). VCF-style: chr5-37183047-T-C. GRCh37 (hg19) VCF-style: chr5-37183149-T-C.
Other names: c.5134A>G, p.Ile1712Val (NM_023073.4); short protein forms I1712V.
Identifiers: ClinVar variation 1419574 (VCV001419574.8), dbSNP rs748701119, ClinGen allele CA3238597.

ClinVar aggregate classification (germline): Uncertain significance (1 of 4 stars; one submission).

Allele frequency attached by ClinVar (database versions not stated): gnomAD exomes 0.00001 and 0.00002; ExAC 0.00002; gnomAD 0.00003 and 0.00004.
gnomAD v4.1: 25 of 1,613,354 alleles (0.0015%); highest among the groups gnomAD compares: South Asian, 0.0044%; no homozygotes.

Submission:

Labcorp Genetics (formerly Invitae), Labcorp
Classification: Uncertain significance. Last evaluated: 2022-02-08. Review status: criteria provided, single submitter. Criteria: Invitae Variant Classification Sherloc (09022015). Collection method: clinical testing. Allele origin: germline.
Comment: Advanced modeling of protein sequence and biophysical properties (such as structural, functional, and spatial information, amino acid conservation, physicochemical variation, residue mobility, and thermodynamic stability) performed at Invitae indicates that this missense variant is not expected to disrupt CPLANE1 protein function. This variant has not been reported in the literature in individuals affected with CPLANE1-related conditions. This variant is present in population databases (rs748701119, gnomAD 0.003%). This sequence change replaces isoleucine, which is neutral and non-polar, with valine, which is neutral and non-polar, at codon 1712 of the CPLANE1 protein (p.Ile1712Val). In summary, the available evidence is currently insufficient to determine the role of this variant in disease. Therefore, it has been classified as a Variant of Uncertain Significance.